The following is an entry in ClinVar:

NM_020964.3(EPG5):c.6549T>A (p.Tyr2183Ter)

Gene: EPG5 (ectopic P-granules 5 autophagy tethering factor; minus strand). Cytogenetic location: 18q12.3.
Variant type: single nucleotide variant.
Coding change: c.6549T>A on transcript NM_020964.3 (MANE Select); coding-DNA position 6549, T replaced by A.
Protein change: p.Tyr2183Ter; replaces tyrosine 2183 with a stop codon.
Molecular consequence: nonsense.
Genome position (GRCh38, 1-based): chr18:45,866,870, A>T on the plus strand (T>A on the coding strand, the complement: EPG5 is on the minus strand). VCF-style: chr18-45866870-A-T. GRCh37 (hg19) VCF-style: chr18-43446835-A-T.
Other names: c.6549T>A, p.Tyr2183Ter (NM_001410858.1); c.6546T>A, p.Tyr2182Ter (NM_001410859.1); short protein forms Y2182*, Y2183*.
Identifiers: ClinVar variation 3645999 (VCV003645999.2).

ClinVar aggregate classification (germline): Pathogenic (1 of 4 stars; one submission).

Conditions:
Vici syndrome (VICIS). Identifiers: Orphanet 1493, MedGen C1855772, MONDO:0009452, OMIM 242840.

Submission:

Labcorp Genetics (formerly Invitae), Labcorp
Classification: Pathogenic for Vici syndrome. Last evaluated: 2024-03-14. Review status: criteria provided, single submitter. Criteria: Invitae Variant Classification Sherloc (09022015). Collection method: clinical testing. Allele origin: germline.
Comment: This sequence change creates a premature translational stop signal (p.Tyr2183*) in the EPG5 gene. It is expected to result in an absent or disrupted protein product. Loss-of-function variants in EPG5 are known to be pathogenic (PMID: 23222957, 23674064). This variant is not present in population databases (gnomAD no frequency). This variant has not been reported in the literature in individuals affected with EPG5-related conditions. Algorithms developed to predict the effect of sequence changes on RNA splicing suggest that this variant may disrupt the consensus splice site. For these reasons, this variant has been classified as Pathogenic.

Literature cited by the submitters: PubMed 23222957; PubMed 23674064.